The following is an entry in ClinVar:

NM_001110556.2(FLNA):c.4400T>A (p.Leu1467His)

Gene: FLNA (filamin A; minus strand). Cytogenetic location: Xq28.
Variant type: single nucleotide variant.
Coding change: c.4400T>A on transcript NM_001110556.2 (MANE Select); coding-DNA position 4400, T replaced by A.
Protein change: p.Leu1467His; replaces leucine 1467 with histidine.
Molecular consequence: missense variant.
Genome position (GRCh38, 1-based): chrX:154,359,058, A>T on the plus strand (T>A on the coding strand, the complement: FLNA is on the minus strand). VCF-style: chrX-154359058-A-T. GRCh37 (hg19) VCF-style: chrX-153587426-A-T.
Other names: c.4400T>A (NM_001456.3); c.4400T>A, p.Leu1467His (NM_001456.4); short protein forms L1467H.
Identifiers: ClinVar variation 3753984 (VCV003753984.3).

ClinVar aggregate classification (germline): Uncertain significance. Review status: criteria provided, multiple submitters, no conflicts (2 of 4 stars). 2 submissions from 2 submitters: Uncertain significance (2). Last evaluated 2025-03-20.

Conditions:
Melnick-Needles syndrome (MNS). Also called: MELNICK-NEEDLES OSTEODYSPLASTY; OSTEODYSPLASTY OF MELNICK AND NEEDLES; Melnick-Needles Syndrome (FLNA-MNS). Identifiers: Orphanet 2484, MedGen C0025237, MONDO:0010650, OMIM 309350.
Frontometaphyseal dysplasia (FMD1). Identifiers: Orphanet 1826, MedGen C0265293, MONDO:0015942.
Heterotopia, periventricular, X-linked dominant (PVNH1). Also called: PERIVENTRICULAR NODULAR HETEROTOPIA 1; X-linked periventricular heterotopia; PERIVENTRICULAR NODULAR HETEROTOPIA 4; HETEROTOPIA, PERIVENTRICULAR, 1. Identifiers: Orphanet 2149, Orphanet 82004, MedGen C1848213, MONDO:0010233, OMIM 300049.
Oto-palato-digital syndrome, type II (OPD2). Also called: FACIOPALATOOSSEOUS SYNDROME; OPD II SYNDROME; Otopalatodigital Syndrome, Type II; Otopalatodigital Syndrome Type 2 (FLNA-OPD2). Identifiers: Orphanet 669, Orphanet 90652, MedGen C1844696, MONDO:0010571, OMIM 304120.

Submissions (2):

GeneDx
Classification: Uncertain significance. Last evaluated: 2025-03-20. Review status: criteria provided, single submitter. Criteria: GeneDx Variant Classification Process June 2021. Collection method: clinical testing. Allele origin: germline. Affected: yes.
Comment: Not observed at significant frequency in large population cohorts (gnomAD); In silico analysis supports that this missense variant has a deleterious effect on protein structure/function; Has not been previously published as pathogenic or benign to our knowledge

Labcorp Genetics (formerly Invitae), Labcorp
Classification: Uncertain significance for Oto-palato-digital syndrome, type II; Heterotopia, periventricular, X-linked dominant; Frontometaphyseal dysplasia; Melnick-Needles syndrome. Last evaluated: 2025-02-07. Review status: criteria provided, single submitter. Criteria: Invitae Variant Classification Sherloc (09022015). Collection method: clinical testing. Allele origin: germline.
Comment: This sequence change replaces leucine, which is neutral and non-polar, with histidine, which is basic and polar, at codon 1467 of the FLNA protein (p.Leu1467His). This variant is not present in population databases (gnomAD no frequency). This variant has not been reported in the literature in individuals affected with FLNA-related conditions. Invitae Evidence Modeling of protein sequence and biophysical properties (such as structural, functional, and spatial information, amino acid conservation, physicochemical variation, residue mobility, and thermodynamic stability) indicates that this missense variant is not expected to disrupt FLNA protein function with a negative predictive value of 95%. In summary, the available evidence is currently insufficient to determine the role of this variant in disease. Therefore, it has been classified as a Variant of Uncertain Significance.